The following is an entry in ClinVar:

ClinVar aggregate classification (germline): Uncertain significance. Review status: criteria provided, single submitter (1 of 4 stars). 2 submissions from 2 submitters: Uncertain significance (1). 1 of the submissions does not count toward it. Last evaluated 2019-06-30.

Conditions:
Neuropathy, hereditary sensory and autonomic, type 2A (HSAN2A). Also called: HSAN IIA; ACROOSTEOLYSIS, GIACCAI TYPE; ACROOSTEOLYSIS, NEUROGENIC; WNK1-Related HSAN2 (HSAN2A); MORVAN DISEASE; NEUROPATHY, CONGENITAL SENSORY. Identifiers: Orphanet 970, MedGen C2752089, MONDO:0024309, OMIM 201300.
Pseudohypoaldosteronism type 2C (PHA2C). Also called: Pseudohypoaldosteronism Type IIC. Identifiers: Orphanet 757, Orphanet 88940, MedGen C1840391, MONDO:0013778, OMIM 614492.

Submissions (2):

Labcorp Genetics (formerly Invitae), Labcorp
Classification: Uncertain significance for Hereditary sensory and autonomic neuropathy type IIA; Pseudohypoaldosteronism type 2C. Last evaluated: 2019-06-30. Review status: criteria provided, single submitter. Criteria: Invitae Variant Classification Sherloc (09022015). Collection method: clinical testing. Allele origin: germline.
Comment: This variant, c.5334_5338delinsGCGCA, is a complex sequence change that results in the deletion and insertion of 2 amino acids of the WNK1 protein (p.Thr1527_Ser1528delinsArgThr) This variant is present in population databases (rs375717084, ExAC 0.2%). This variant has not been reported in the literature in individuals with WNK1-related conditions. ClinVar contains an entry for this variant (Variation ID: 591672). Experimental studies and prediction algorithms are not available or were not evaluated for this variant, and the functional significance of the affected amino acid(s) is currently unknown. In summary, the available evidence is currently insufficient to determine the role of this variant in disease. Therefore, it has been classified as a Variant of Uncertain Significance.

Gharavi Laboratory, Columbia University
Classification: Uncertain significance. Last evaluated: 2018-09-16. Review status: no assertion criteria provided. Criteria: ACMG Guidelines, 2015. Collection method: research. Allele origin: germline. Affected: yes. Not counted in ClinVar's aggregate classification.

NM_018979.4(WNK1):c.4578_4582delinsGCGCA (p.His1527_Ser1528delinsArgThr)

Gene: WNK1 (WNK lysine deficient protein kinase 1; plus strand). Cytogenetic location: 12p13.33.
Variant type: Indel.
Coding change: c.4578_4582delinsGCGCA on transcript NM_018979.4 (MANE Select); coding-DNA positions 4578 to 4582, ACACT replaced by GCGCA.
Protein change: p.His1527_Ser1528delinsArgThr.
Molecular consequence: missense variant.
Genome position (GRCh38, 1-based): chr12:885,382-885,386, ACACT replaced by GCGCA. VCF-style: chr12-885382-ACACT-GCGCA. GRCh37 (hg19) VCF-style: chr12-994548-ACACT-GCGCA.
Other names: c.5358_5362delinsGCGCA, p.His1787_Ser1788delinsArgThr (NM_001184985.2); c.3837_3841delinsGCGCA, p.His1280_Ser1281delinsArgThr (NM_014823.3); c.5334_5338delinsGCGCA, p.His1779_Ser1780delinsArgThr (NM_213655.5).
Identifiers: ClinVar variation 591672 (VCV000591672.2), dbSNP rs1565583433, ClinGen allele CA891862932.
Genomic context (GRCh38, chr12:885,382, plus strand): 5'-CATTCAGCTTAGCAGCAGTACTTCTACTCCTACTTTAGCTGAAACCGTGGTAGTTAGCGC[ACACT>GCGCA]CACTAGATAAGACATCTCATAGCAGTACAACTGGATTGGCTTTCTCCCTCTCTGCACCAT-3'